The following is an entry in ClinVar:

NM_018365.4(MNS1):c.456+1G>T

Genes: MNS1 (meiosis specific nuclear structural 1; minus strand), TEX9 (testis expressed 9; plus strand). Cytogenetic location: 15q21.3.
Variant type: single nucleotide variant.
Coding change: c.456+1G>T on transcript NM_018365.4 (MANE Select); the canonical splice donor site of the intron after coding-DNA position 456, G replaced by T.
Molecular consequence: splice donor variant.
Genome position (GRCh38, 1-based): chr15:56,446,840, C>A on the plus strand (G>T on the coding strand, the complement: MNS1 is on the minus strand). VCF-style: chr15-56446840-C-A. GRCh37 (hg19) VCF-style: chr15-56739038-C-A.
Identifiers: ClinVar variation 4850275 (VCV004850275.1).

ClinVar aggregate classification (germline): Likely pathogenic (1 of 4 stars; one submission).

Conditions:
Heterotaxy, visceral, 9, autosomal, with male infertility. Identifiers: MedGen C5394551, MONDO:0030070, OMIM 618948.

gnomAD v4.1: 1 of 1,591,834 alleles (0.000063%); highest among the groups gnomAD compares: Non-Finnish European, 0.000086%; no homozygotes.

Submission:

First Genomix Gene Laboratory, Genetic Diagnostics Department
Classification: Likely pathogenic for Heterotaxy, visceral, 9, autosomal, with male infertility. Last evaluated: 2025-09-03. Review status: criteria provided, single submitter. Criteria: ACMG Guidelines, 2015. Collection method: clinical testing. Allele origin: germline. Inheritance: Autosomal recessive inheritance. Affected: no. Observed: 1 variant allele.